The following is an entry in ClinVar:

ClinVar aggregate classification (germline): Uncertain significance (1 of 4 stars; one submission).

Submission:

Labcorp Genetics (formerly Invitae), Labcorp
Classification: Uncertain significance. Last evaluated: 2024-02-17. Review status: criteria provided, single submitter. Criteria: Invitae Variant Classification Sherloc (09022015). Collection method: clinical testing. Allele origin: germline.
Comment: This variant, c.1805_1807dup, results in the insertion of 1 amino acid(s) of the LAMA1 protein (p.Ser602dup), but otherwise preserves the integrity of the reading frame. This variant is present in population databases (no rsID available, gnomAD 0.006%). This variant has not been reported in the literature in individuals affected with LAMA1-related conditions. ClinVar contains an entry for this variant (Variation ID: 1354345). Experimental studies and prediction algorithms are not available or were not evaluated, and the functional significance of this variant is currently unknown. In summary, the available evidence is currently insufficient to determine the role of this variant in disease. Therefore, it has been classified as a Variant of Uncertain Significance.

NM_005559.4(LAMA1):c.1805_1807dup (p.Ser602dup)

Gene: LAMA1 (laminin subunit alpha 1; minus strand). Cytogenetic location: 18p11.31.
Variant type: Duplication.
Coding change: c.1805_1807dup on transcript NM_005559.4 (MANE Select); coding-DNA positions 1805 to 1807, 3 bases duplicated (GTA; older notation c.1805_1807dupGTA).
Protein change: p.Ser602dup; duplicates serine 602.
Molecular consequence: inframe insertion.
Genome position (GRCh38, 1-based): chr18:7,036,019-7,036,021, TAC duplicated on the plus strand (GTA on the coding strand, the reverse complement: LAMA1 is on the minus strand); duplicating any 3 consecutive bases within chr18:7,036,019-7,036,022 gives the same sequence; the c. name uses the placement nearest the transcript's 3' end. VCF-style (leftmost placement, unchanged base first): chr18-7036018-T-TTAC. GRCh37 (hg19) VCF-style: chr18-7036017-T-TTAC.
Identifiers: ClinVar variation 1354345 (VCV001354345.6), dbSNP rs1333914482, ClinGen allele CA628126664.